The following is an entry in ClinVar:

ClinVar aggregate classification (germline): Likely benign. Review status: criteria provided, single submitter (1 of 4 stars). 2 submissions from 2 submitters: Likely benign (1). 1 of the submissions does not count toward it. Last evaluated 2023-03-01.

Conditions:
SPTBN4-related disorder. Also called: SPTBN4-related condition.

Allele frequency attached by ClinVar (database versions not stated): TOPMed 0.00005; gnomAD 0.00028; gnomAD exomes 0.00047; ExAC 0.00128; 1000 Genomes Project 30x 0.00297; 1000 Genomes Project 0.00319.
gnomAD v4.1: 754 of 1,614,072 alleles (0.047%); highest among the groups gnomAD compares: South Asian, 0.76%; 7 homozygotes.

Submissions (2):

CeGaT Center for Human Genetics Tuebingen
Classification: Likely benign. Last evaluated: 2023-03-01. Review status: criteria provided, single submitter. Criteria: CeGaT Center For Human Genetics Tuebingen Variant Classification Criteria Version 2. Collection method: clinical testing. Allele origin: germline. Affected: yes. Observed: 2 variant alleles.
Comment: SPTBN4: PP2, BP4, BS2

PreventionGenetics, part of Exact Sciences
Classification: Benign for SPTBN4-related condition. Last evaluated: 2019-04-10. Review status: no assertion criteria provided. Collection method: clinical testing. Allele origin: germline. Not counted in ClinVar's aggregate classification.
Comment: This variant is classified as benign based on ACMG/AMP sequence variant interpretation guidelines (Richards et al. 2015 PMID: 25741868, with internal and published modifications).

NM_020971.3(SPTBN4):c.934G>A (p.Glu312Lys)

Gene: SPTBN4 (spectrin beta, non-erythrocytic 4; plus strand). Cytogenetic location: 19q13.2.
Variant type: single nucleotide variant.
Coding change: c.934G>A on transcript NM_020971.3 (MANE Select); coding-DNA position 934, G replaced by A.
Protein change: p.Glu312Lys; replaces glutamic acid 312 with lysine.
Molecular consequence: missense variant.
Genome position (GRCh38, 1-based): chr19:40,502,164, G>A. VCF-style: chr19-40502164-G-A. GRCh37 (hg19) VCF-style: chr19-41008071-G-A.
Other names: short protein forms E312K.
Identifiers: ClinVar variation 2649882 (VCV002649882.23), dbSNP rs576794471, ClinGen allele CA9445481.